The following is an entry in ClinVar:

NM_001379200.1(TBX1):c.1222G>A (p.Glu408Lys)

Gene: TBX1 (T-box transcription factor 1; plus strand). Cytogenetic location: 22q11.21.
Variant type: single nucleotide variant.
Coding change: c.1222G>A on transcript NM_001379200.1 (MANE Select); coding-DNA position 1222, G replaced by A.
Protein change: p.Glu408Lys; replaces glutamic acid 408 with lysine.
Molecular consequence: missense variant. On other transcripts: intron variant (2).
Genome position (GRCh38, 1-based): chr22:19,766,574, G>A. VCF-style: chr22-19766574-G-A. GRCh37 (hg19) VCF-style: chr22-19754097-G-A.
Other names: c.1195G>A, p.Glu399Lys (NM_080647.1); c.1009+572G>A (NM_005992.1, NM_080646.2); short protein forms E408K, E399K.
Identifiers: ClinVar variation 3713221 (VCV003713221.2).

ClinVar aggregate classification (germline): Uncertain significance (1 of 4 stars; one submission).

Conditions:
DiGeorge syndrome. Also called: Catch22; THIRD AND FOURTH PHARYNGEAL POUCH SYNDROME. Identifiers: Orphanet 567, MedGen C0012236, MONDO:0008564, OMIM 188400.

gnomAD v4.1: 1 of 1,456,106 alleles (0.000069%); highest among the groups gnomAD compares: South Asian, 0.0013%; no homozygotes.

Submission:

Labcorp Genetics (formerly Invitae), Labcorp
Classification: Uncertain significance for DiGeorge syndrome. Last evaluated: 2024-12-19. Review status: criteria provided, single submitter. Criteria: Invitae Variant Classification Sherloc (09022015). Collection method: clinical testing. Allele origin: germline.
Comment: This sequence change replaces glutamic acid, which is acidic and polar, with lysine, which is basic and polar, at codon 399 of the TBX1 protein (p.Glu399Lys). This variant is not present in population databases (gnomAD no frequency). This variant has not been reported in the literature in individuals affected with TBX1-related conditions. An algorithm developed to predict the effect of missense changes on protein structure and function (PolyPhen-2) suggests that this variant is likely to be tolerated. In summary, the available evidence is currently insufficient to determine the role of this variant in disease. Therefore, it has been classified as a Variant of Uncertain Significance.